The following is an entry in ClinVar:

ClinVar aggregate classification (germline): Likely benign. Review status: criteria provided, single submitter (1 of 4 stars). 2 submissions from 2 submitters: Likely benign (1). 1 of the submissions does not count toward it. Last evaluated 2025-04-21.

Conditions:
DDX3X-related disorder. Also called: DDX3X-related condition.

Submissions (2):

Labcorp Genetics (formerly Invitae), Labcorp
Classification: Likely benign. Last evaluated: 2025-04-21. Review status: criteria provided, single submitter. Criteria: Invitae Variant Classification Sherloc (09022015). Collection method: clinical testing. Allele origin: germline.

PreventionGenetics, part of Exact Sciences
Classification: Likely benign for DDX3X-related condition. Last evaluated: 2020-12-09. Review status: no assertion criteria provided. Collection method: clinical testing. Allele origin: germline. Not counted in ClinVar's aggregate classification.
Comment: This variant is classified as likely benign based on ACMG/AMP sequence variant interpretation guidelines (Richards et al. 2015 PMID: 25741868, with internal and published modifications).

NM_001356.5(DDX3X):c.1315+8_1315+10del

Gene: DDX3X (DEAD-box helicase 3 X-linked; plus strand). Cytogenetic location: Xp11.4.
Variant type: Deletion.
Coding change: c.1315+8_1315+10del on transcript NM_001356.5 (MANE Select); bases 8 to 10 of the intron after coding-DNA position 1315, 3 bases deleted (TAT; older notation c.1315+8_1315+10delTAT).
Molecular consequence: intron variant.
Genome position (GRCh38, 1-based): chrX:41,345,556-41,345,558, TAT deleted; deleting any 3 consecutive bases within chrX:41,345,554-41,345,558 gives the same sequence; the c. name uses the placement nearest the transcript's 3' end. VCF-style (leftmost placement, unchanged base first): chrX-41345553-CATT-C. GRCh37 (hg19) VCF-style: chrX-41204806-CATT-C.
Other names: c.1315+8_1315+10del (NM_001193416.3); c.1267+8_1267+10del (NM_001193417.3); c.757+8_757+10del (NM_001363819.1).
Identifiers: ClinVar variation 3029968 (VCV003029968.3), dbSNP rs773297757, ClinGen allele CA10389612.